The following is an entry in ClinVar:

ClinVar aggregate classification (germline): Likely benign. Review status: criteria provided, multiple submitters, no conflicts (2 of 4 stars). 4 submissions from 4 submitters: Likely benign (4). Last evaluated 2026-01-13.

Conditions:
Lynch syndrome 5 (LYNCH5). Also called: Hereditary non-polyposis colorectal cancer, type 5; Colorectal cancer, hereditary nonpolyposis, type 5. Identifiers: Orphanet 144, MedGen C1833477, MONDO:0013710, OMIM 614350. Disease mechanism: loss of function.
Hereditary nonpolyposis colorectal neoplasms. Identifiers: MedGen C0009405, MeSH D003123.
Hereditary cancer-predisposing syndrome. Also called: Hereditary Cancer Syndrome; Hereditary neoplastic syndrome; Neoplastic Syndromes, Hereditary; Tumor predisposition. Identifiers: Orphanet 140162, MedGen C0027672, MeSH D009386, MONDO:0015356.

Allele frequency attached by ClinVar (database versions not stated): gnomAD exomes below 0.00001; TOPMed below 0.00001.
gnomAD v4.1: 2 of 1,570,052 alleles (0.00013%); highest among the groups gnomAD compares: Admixed American, 0.0017%; no homozygotes.

Submissions (4):

Labcorp Genetics (formerly Invitae), Labcorp
Classification: Likely benign for Hereditary nonpolyposis colorectal neoplasms. Last evaluated: 2026-01-13. Review status: criteria provided, single submitter. Criteria: Invitae Variant Classification Sherloc (09022015). Collection method: clinical testing. Allele origin: germline.

Myriad Genetics, Inc.
Classification: Likely benign for Lynch syndrome 5. Last evaluated: 2025-01-07. Review status: criteria provided, single submitter. Criteria: Myriad Autosomal Dominant, Autosomal Recessive and X-Linked Classification Criteria (2023). Collection method: clinical testing. Allele origin: unknown.
Comment: This variant is considered likely benign. This variant is intronic and is not expected to impact mRNA splicing.

Color Diagnostics, LLC DBA Color Health
Classification: Likely benign for Hereditary cancer-predisposing syndrome. Last evaluated: 2018-12-14. Review status: criteria provided, single submitter. Criteria: ACMG Guidelines, 2015. Collection method: clinical testing. Allele origin: germline.

GeneDx
Classification: Likely benign. Last evaluated: 2017-11-16. Review status: criteria provided, single submitter. Criteria: GeneDx Variant Classification (06012015). Collection method: clinical testing. Allele origin: germline. Affected: yes.
Comment: This variant is considered likely benign or benign based on one or more of the following criteria: it is a conservative change, it occurs at a poorly conserved position in the protein, it is predicted to be benign by multiple in silico algorithms, and/or has population frequency not consistent with disease.

NM_000179.3(MSH6):c.3646+7C>T

Gene: MSH6 (mutS homolog 6; plus strand). Cytogenetic location: 2p16.3.
Variant type: single nucleotide variant.
Coding change: c.3646+7C>T on transcript NM_000179.3 (MANE Select); 7 bases into the intron after coding-DNA position 3646, C replaced by T.
Molecular consequence: intron variant.
Genome position (GRCh38, 1-based): chr2:47,805,714, C>T. VCF-style: chr2-47805714-C-T. GRCh37 (hg19) VCF-style: chr2-48032853-C-T.
Other names: c.2740+7C>T (NM_001281493.2, NM_001281494.2); c.3256+7C>T (NM_001281492.2).
Identifiers: ClinVar variation 387273 (VCV000387273.15), dbSNP rs1057522750, ClinGen allele CA16604206.